The following is an entry in ClinVar:

NM_000254.3(MTR):c.3770G>T (p.Gly1257Val)

Gene: MTR (5-methyltetrahydrofolate-homocysteine methyltransferase; plus strand). Cytogenetic location: 1q43.
Variant type: single nucleotide variant.
Coding change: c.3770G>T on transcript NM_000254.3 (MANE Select); coding-DNA position 3770, G replaced by T.
Protein change: p.Gly1257Val; replaces glycine 1257 with valine.
Molecular consequence: missense variant.
Genome position (GRCh38, 1-based): chr1:236,897,616, G>T. VCF-style: chr1-236897616-G-T. GRCh37 (hg19) VCF-style: chr1-237060916-G-T.
Other names: c.3617G>T, p.Gly1206Val (NM_001291939.1); c.2549G>T, p.Gly850Val (NM_001291940.2); short protein forms G1257V, G850V, G1206V.
Identifiers: ClinVar variation 876630 (VCV000876630.13), dbSNP rs374409316, ClinGen allele CA1474790.

ClinVar aggregate classification (germline): Uncertain significance. Review status: criteria provided, multiple submitters, no conflicts (2 of 4 stars). 4 submissions from 4 submitters: Uncertain significance (4). Last evaluated 2024-09-10.

Conditions:
Inborn genetic diseases. Identifiers: MedGen C0950123, MeSH D030342.
Disorders of Intracellular Cobalamin Metabolism. Identifiers: MedGen CN043592.
Methylcobalamin deficiency type cblG (HMAG). Also called: HOMOCYSTINURIA-MEGALOBLASTIC ANEMIA, cblG COMPLEMENTATION TYPE; Functional methionine synthase deficiency type cblG; HOMOCYSTINURIA-MEGALOBLASTIC ANEMIA DUE TO DEFECT IN COBALAMIN METABOLISM, cblG COMPLEMENTATION TYPE; HOMOCYSTINURIA-MEGALOBLASTIC ANEMIA, cblG TYPE. Identifiers: Orphanet 2170, Orphanet 622, MedGen C1855128, MONDO:0009609, OMIM 250940.

Allele frequency attached by ClinVar (database versions not stated): ExAC 0.00006; ESP Exome Variant Server 0.00015; gnomAD exomes 0.00002 and 0.00004; gnomAD 0.00022 and 0.00017; TOPMed 0.00030.
gnomAD v4.1: 55 of 1,613,444 alleles (0.0034%); highest among the groups gnomAD compares: African/African-American, 0.051%; 1 homozygote.

Submissions (4):

Ambry Genetics
Classification: Uncertain significance for Inborn genetic diseases. Last evaluated: 2024-09-10. Review status: criteria provided, single submitter. Criteria: Ambry Variant Classification Scheme 2023. Collection method: clinical testing. Allele origin: germline.

Labcorp Genetics (formerly Invitae), Labcorp
Classification: Uncertain significance for Methylcobalamin deficiency type cblG. Last evaluated: 2022-07-23. Review status: criteria provided, single submitter. Criteria: Invitae Variant Classification Sherloc (09022015). Collection method: clinical testing. Allele origin: germline.
Comment: This sequence change replaces glycine, which is neutral and non-polar, with valine, which is neutral and non-polar, at codon 1257 of the MTR protein (p.Gly1257Val). This variant is present in population databases (rs374409316, gnomAD 0.04%). This variant has not been reported in the literature in individuals affected with MTR-related conditions. ClinVar contains an entry for this variant (Variation ID: 876630). Algorithms developed to predict the effect of missense changes on protein structure and function are either unavailable or do not agree on the potential impact of this missense change (SIFT: "Deleterious"; PolyPhen-2: "Benign"; Align-GVGD: "Class C0"). In summary, the available evidence is currently insufficient to determine the role of this variant in disease. Therefore, it has been classified as a Variant of Uncertain Significance.

GeneDx
Classification: Uncertain significance. Last evaluated: 2021-04-20. Review status: criteria provided, single submitter. Criteria: GeneDx Variant Classification Process June 2021. Collection method: clinical testing. Allele origin: germline. Affected: yes.
Comment: In silico analysis supports that this missense variant has a deleterious effect on protein structure/function; Has not been previously published as pathogenic or benign to our knowledge

Illumina Laboratory Services, Illumina
Classification: Uncertain significance for Disorders of Intracellular Cobalamin Metabolism. Last evaluated: 2018-01-13. Review status: criteria provided, single submitter. Criteria: ICSL Variant Classification Criteria 13 December 2019. Collection method: clinical testing. Allele origin: germline.